The following is an entry in ClinVar:

ClinVar aggregate classification (germline): Uncertain significance (1 of 4 stars; one submission).

Submission:

GeneDx
Classification: Uncertain significance. Last evaluated: 2026-03-17. Review status: criteria provided, single submitter. Criteria: GeneDx Variant Classification Process June 2021. Collection method: clinical testing. Allele origin: germline.
Comment: Not observed at significant frequency in large population cohorts (gnomAD); In silico analysis supports that this missense variant has a deleterious effect on protein structure/function; Has not been previously published as pathogenic or benign to our knowledge

NM_000435.3(NOTCH3):c.5003A>T (p.Lys1668Met)

Gene: NOTCH3 (notch receptor 3; minus strand). Cytogenetic location: 19p13.12.
Variant type: single nucleotide variant.
Coding change: c.5003A>T on transcript NM_000435.3 (MANE Select); coding-DNA position 5003, A replaced by T.
Protein change: p.Lys1668Met; replaces lysine 1668 with methionine.
Molecular consequence: missense variant.
Genome position (GRCh38, 1-based): chr19:15,170,442, T>A on the plus strand (A>T on the coding strand, the complement: NOTCH3 is on the minus strand). VCF-style: chr19-15170442-T-A. GRCh37 (hg19) VCF-style: chr19-15281253-T-A.
Other names: short protein forms K1668M.
Identifiers: ClinVar variation 5009301 (VCV005009301.1).
Genomic context (GRCh38, chr19:15,170,442, plus strand): 5'-GAGGCCACGTCCTTGTGCAGTGAGAAGCCCTCAGGGAACCAGAGGGTGCTGTGCTCGCGC[T>A]TGCGCCGGGCCACCATGACACCCAGGACGAGAATGACCAGCAGCAAGACAGCGCCCGCCA-3'
Protein context (NP_000426.2, residues 1658-1678): LVLGVMVARR[Lys1668Met]REHSTLWFPE